The following is an entry in ClinVar:

NM_020822.3(KCNT1):c.2704A>G (p.Ile902Val)

Gene: KCNT1 (potassium sodium-activated channel subfamily T member 1; plus strand). Cytogenetic location: 9q34.3.
Variant type: single nucleotide variant.
Coding change: c.2704A>G on transcript NM_020822.3 (MANE Select); coding-DNA position 2704, A replaced by G.
Protein change: p.Ile902Val; replaces isoleucine 902 with valine.
Molecular consequence: missense variant.
Genome position (GRCh38, 1-based): chr9:135,778,797, A>G. VCF-style: chr9-135778797-A-G. GRCh37 (hg19) VCF-style: chr9-138670643-A-G.
Other names: c.2569A>G, p.Ile857Val (NM_001272003.2); short protein forms I857V, I902V.
Identifiers: ClinVar variation 2630126 (VCV002630126.3), dbSNP rs2491038436, ClinGen allele CA375514799.

ClinVar aggregate classification (germline): Uncertain significance. Review status: criteria provided, multiple submitters, no conflicts (2 of 4 stars). 3 submissions from 3 submitters: Uncertain significance (3). Last evaluated 2025-08-29.

Conditions:
Developmental and epileptic encephalopathy, 14 (DEE14). Also called: Early infantile epileptic encephalopathy 14. Identifiers: Orphanet 293181, MedGen C3554195, MONDO:0013989, OMIM 614959.
Autosomal dominant nocturnal frontal lobe epilepsy 5. Also called: CILIARY DYSKINESIA, PRIMARY, 28, WITH SITUS INVERSUS; KCNT1-Related Epilepsy; CILIARY DYSKINESIA, PRIMARY, 28, WITHOUT SITUS INVERSUS; Epilepsy, nocturnal frontal lobe, 5. Identifiers: Orphanet 98784, MedGen C3554306, MONDO:0014002, OMIM 615005.
KCNT1-related disorder. Also called: KCNT1-related condition.

Submissions (3):

Labcorp Genetics (formerly Invitae), Labcorp
Classification: Uncertain significance for Autosomal dominant nocturnal frontal lobe epilepsy 5; Developmental and epileptic encephalopathy, 14. Last evaluated: 2025-08-29. Review status: criteria provided, single submitter. Criteria: Invitae Variant Classification Sherloc (09022015). Collection method: clinical testing. Allele origin: germline.
Comment: This sequence change replaces isoleucine, which is neutral and non-polar, with valine, which is neutral and non-polar, at codon 902 of the KCNT1 protein (p.Ile902Val). This variant is not present in population databases (gnomAD no frequency). This variant has not been reported in the literature in individuals affected with KCNT1-related conditions. ClinVar contains an entry for this variant (Variation ID: 2630126). Invitae Evidence Modeling of protein sequence and biophysical properties (such as structural, functional, and spatial information, amino acid conservation, physicochemical variation, residue mobility, and thermodynamic stability) indicates that this missense variant is not expected to disrupt KCNT1 protein function with a negative predictive value of 80%. In summary, the available evidence is currently insufficient to determine the role of this variant in disease. Therefore, it has been classified as a Variant of Uncertain Significance.

Women's Health and Genetics/Laboratory Corporation of America, LabCorp
Classification: Uncertain significance. Last evaluated: 2024-08-22. Review status: criteria provided, single submitter. Criteria: LabCorp Variant Classification Summary - May 2015. Collection method: clinical testing. Allele origin: germline.
Comment: Variant summary: KCNT1 c.2704A>G (p.Ile902Val) results in a conservative amino acid change in the encoded protein sequence. Four of five in-silico tools predict a damaging effect of the variant on protein function. The variant was absent in 250886 control chromosomes. The available data on variant occurrences in the general population are insufficient to allow any conclusion about variant significance. To our knowledge, no occurrence of c.2704A>G in individuals affected with Developmental And Epileptic Encephalopathy, 14 and no experimental evidence demonstrating its impact on protein function have been reported. ClinVar contains an entry for this variant (Variation ID: 2630126). Based on the evidence outlined above, the variant was classified as uncertain significance.

PreventionGenetics, part of Exact Sciences
Classification: Uncertain significance for KCNT1-related condition. Last evaluated: 2023-07-30. Review status: criteria provided, single submitter. Criteria: ACMG Guidelines, 2015. Collection method: clinical testing. Allele origin: germline.
Comment: The KCNT1 c.2704A>G variant is predicted to result in the amino acid substitution p.Ile902Val. To our knowledge, this variant has not been reported in the literature or in a large population database, indicating this variant is rare. At this time, the clinical significance of this variant is uncertain due to the absence of conclusive functional and genetic evidence.